The following is an entry in ClinVar:

NM_004380.3(CREBBP):c.7243C>T (p.Pro2415Ser)

Gene: CREBBP (CREB binding lysine acetyltransferase; minus strand). Cytogenetic location: 16p13.3.
Variant type: single nucleotide variant.
Coding change: c.7243C>T on transcript NM_004380.3 (MANE Select); coding-DNA position 7243, C replaced by T.
Protein change: p.Pro2415Ser; replaces proline 2415 with serine.
Molecular consequence: missense variant.
Genome position (GRCh38, 1-based): chr16:3,727,804, G>A on the plus strand (C>T on the coding strand, the complement: CREBBP is on the minus strand). VCF-style: chr16-3727804-G-A. GRCh37 (hg19) VCF-style: chr16-3777805-G-A.
Other names: c.7129C>T, p.Pro2377Ser (NM_001079846.1); short protein forms P2377S, P2415S.
Identifiers: ClinVar variation 2148603 (VCV002148603.5), dbSNP rs749448607, ClinGen allele CA7868928.

ClinVar aggregate classification (germline): Uncertain significance. Review status: criteria provided, multiple submitters, no conflicts (2 of 4 stars). 2 submissions from 2 submitters: Uncertain significance (2). Last evaluated 2024-05-22.

Conditions:
Menke-Hennekam syndrome 1 (MKHK1). Identifiers: MedGen C5193034, MONDO:0020763, OMIM 618332.
Rubinstein-Taybi syndrome due to CREBBP mutations (RSTS1). Also called: CREBBP-Related Rubinstein-Taybi Syndrome; RUBINSTEIN SYNDROME; RUBINSTEIN-TAYBI SYNDROME 1, INCOMPLETE; BROAD THUMB-HALLUX SYNDROME; Rubinstein-Taybi syndrome 1; BROAD THUMBS AND GREAT TOES, CHARACTERISTIC FACIES, AND IMPAIRED INTELLECTUAL DEVELOPMENT. Identifiers: Orphanet 353277, Orphanet 783, MedGen C4551859, MONDO:0008393, OMIM 180849.
Rubinstein-Taybi syndrome (RSTS). Identifiers: Orphanet 783, MedGen C0035934, MONDO:0019188.

Allele frequency attached by ClinVar (database versions not stated): gnomAD 0.00001; TOPMed 0.00001; gnomAD exomes 0.00005; ExAC 0.00009.
gnomAD v4.1: 31 of 1,614,060 alleles (0.0019%); highest among the groups gnomAD compares: Non-Finnish European, 0.0024%; no homozygotes.

Submissions (2):

Fulgent Genetics
Classification: Uncertain significance for Rubinstein-Taybi syndrome due to CREBBP mutations; Menke-Hennekam syndrome 1. Last evaluated: 2024-05-22. Review status: criteria provided, single submitter. Criteria: ACMG Guidelines, 2015. Collection method: clinical testing. Allele origin: germline.

Labcorp Genetics (formerly Invitae), Labcorp
Classification: Uncertain significance for Rubinstein-Taybi syndrome. Last evaluated: 2022-09-28. Review status: criteria provided, single submitter. Criteria: Invitae Variant Classification Sherloc (09022015). Collection method: clinical testing. Allele origin: germline.
Comment: This sequence change replaces proline, which is neutral and non-polar, with serine, which is neutral and polar, at codon 2415 of the CREBBP protein (p.Pro2415Ser). This variant is present in population databases (rs749448607, gnomAD 0.01%). This variant has not been reported in the literature in individuals affected with CREBBP-related conditions. In summary, the available evidence is currently insufficient to determine the role of this variant in disease. Therefore, it has been classified as a Variant of Uncertain Significance. Advanced modeling of protein sequence and biophysical properties (such as structural, functional, and spatial information, amino acid conservation, physicochemical variation, residue mobility, and thermodynamic stability) has been performed at Invitae for this missense variant, however the output from this modeling did not meet the statistical confidence thresholds required to predict the impact of this variant on CREBBP protein function.